The following is an entry in ClinVar:

ClinVar aggregate classification (germline): Likely pathogenic (1 of 4 stars; one submission).

Conditions:
Hereditary breast ovarian cancer syndrome. Also called: Hereditary breast and ovarian cancer syndrome; Hereditary breast and ovarian cancer; Hereditary breast and ovarian cancer syndrome (HBOC); Breast and ovarian cancer; Hereditary breast and/or ovarian cancer syndrome; BRCA1- and BRCA2-Associated Hereditary Breast and Ovarian Cancer. Identifiers: Orphanet 145, MedGen C0677776, MeSH D061325, MONDO:0003582. Disease mechanism: loss of function.

Submission:

Laboratory for Molecular Medicine, Mass General Brigham Personalized Medicine
Classification: Likely pathogenic for Hereditary breast ovarian cancer syndrome. Last evaluated: 2019-10-14. Review status: criteria provided, single submitter. Criteria: ACMG Guidelines, 2015. Collection method: clinical testing. Allele origin: germline.
Comment: The p.Thr234LysfsX3 variant in BRCA1 has not been previously reported in individuals with hereditary breast and/or ovarian cancer (HBOC) and was absent from large population studies. This variant is predicted to cause a frameshift, which alters the protein’s amino acid sequence beginning at position 234 and leads to a premature termination codon 3 amino acids downstream. This alteration is then predicted to lead to a truncated or absent protein. Loss of function of the BRCA1 gene is an established disease mechanism in autosomal dominant HBOC. In summary, although additional studies are required to fully establish its clinical significance, this variant meets criteria to be classified as likely pathogenic for autosomal dominant HBOC. ACMG/AMP Criteria applied: PVS1, PM2.

NM_007294.4(BRCA1):c.701_702del (p.Thr234fs)

Gene: BRCA1 (BRCA1 DNA repair associated; minus strand). Cytogenetic location: 17q21.31.
Variant type: Deletion.
Coding change: c.701_702del on transcript NM_007294.4 (MANE Select); coding-DNA positions 701 to 702, 2 bases deleted (CA; older notation c.701_702delCA).
Protein change: p.Thr234fs; shifts the reading frame from threonine 234.
Molecular consequence: frameshift variant. On other transcripts: 5 prime UTR variant (2), intron variant (13).
Genome position (GRCh38, 1-based): chr17:43,094,829-43,094,830, TG deleted on the plus strand (CA on the coding strand, the reverse complement: BRCA1 is on the minus strand); deleting any 2 consecutive bases within chr17:43,094,829-43,094,831 gives the same sequence; the c. name uses the placement nearest the transcript's 3' end. VCF-style (leftmost placement, unchanged base first): chr17-43094828-TTG-T. GRCh37 (hg19) VCF-style: chr17-41246845-TTG-T.
Other names: c.560_561del, p.Thr187fs (NM_001407728.1, NM_001407729.1, NM_001407730.1 and 43 more transcripts); c.557_558del, p.Thr186fs (NM_001407740.1, NM_001407741.1, NM_001407742.1 and 26 more transcripts); c.488_489del, p.Thr163fs (NM_001407571.1, NM_001407853.1, NM_001407894.1 and 12 more transcripts); c.701_702del, p.Thr234fs (NM_001407581.1, NM_001407582.1, NM_001407583.1 and 53 more transcripts); c.698_699del, p.Thr233fs (NM_001407587.1, NM_001407590.1, NM_001407591.1 and 38 more transcripts); c.692_693del, p.Thr231fs (NM_001407646.1, NM_001407647.1, NM_001408408.1); c.578_579del, p.Thr193fs (NM_001407648.1, NM_001407664.1, NM_001407665.1 and 34 more transcripts); c.575_576del, p.Thr192fs (NM_001407649.1, NM_001407670.1, NM_001407671.1 and 20 more transcripts); and 21 more; short protein forms T106fs, T107fs, T122fs, T123fs, T145fs, T146fs, T163fs, T164fs.
Identifiers: ClinVar variation 3075795 (VCV003075795.1), dbSNP rs2552230725, ClinGen allele CA2638064083.